The following is an entry in ClinVar:

ClinVar aggregate classification (germline): Benign/Likely benign. Review status: criteria provided, multiple submitters, no conflicts (2 of 4 stars). 4 submissions from 4 submitters: Benign (1); Likely benign (2). 1 of the submissions does not count toward it. Last evaluated 2024-10-31.

Conditions:
Prostate cancer, hereditary, 9 (HPC9). Identifiers: Orphanet 1331, MedGen C1970250, MONDO:0012597, OMIM 610997.
Prostate cancer, hereditary, 1 (HPC1). Identifiers: Orphanet 1331, MedGen C4722327, MONDO:0011098, OMIM 601518.
Hereditary cancer-predisposing syndrome. Also called: Neoplastic Syndromes, Hereditary; Tumor predisposition; Hereditary neoplastic syndrome; Hereditary Cancer Syndrome. Identifiers: Orphanet 140162, MedGen C0027672, MeSH D009386, MONDO:0015356.

gnomAD v4.1: 3 of 1,614,090 alleles (0.00019%); highest among the groups gnomAD compares: Middle Eastern, 0.016%; no homozygotes.

Submissions (4):

Myriad Genetics, Inc.
Classification: Benign for Prostate cancer, hereditary, 9. Last evaluated: 2024-10-31. Review status: criteria provided, single submitter. Criteria: Myriad Autosomal Dominant, Autosomal Recessive and X-Linked Classification Criteria (2023). Collection method: clinical testing. Allele origin: unknown.
Comment: This variant is considered benign. This variant is a silent/synonymous amino acid change and it is not expected to impact splicing.

Labcorp Genetics (formerly Invitae), Labcorp
Classification: Likely benign. Last evaluated: 2024-05-19. Review status: criteria provided, single submitter. Criteria: Invitae Variant Classification Sherloc (09022015). Collection method: clinical testing. Allele origin: germline.

Ambry Genetics
Classification: Likely benign for Hereditary cancer-predisposing syndrome. Last evaluated: 2021-04-06. Review status: criteria provided, single submitter. Criteria: Ambry Variant Classification Scheme 2023. Collection method: clinical testing. Allele origin: germline.

Laboratory of Virology, Microbiology,  Quality and Medical Biotechnologies, Faculty of Sciences and Techniques - Mohammedia, Hassan II University of Casablanca
Classification: Uncertain significance for Prostate cancer, hereditary, 1. Review status: no assertion criteria provided. Collection method: clinical testing. Allele origin: somatic. Affected: yes. Not counted in ClinVar's aggregate classification.

NM_006361.6(HOXB13):c.750G>C (p.Ser250=)

Gene: HOXB13 (homeobox B13; minus strand). Cytogenetic location: 17q21.32.
Variant type: single nucleotide variant.
Coding change: c.750G>C on transcript NM_006361.6 (MANE Select); coding-DNA position 750, G replaced by C.
Protein change: p.Ser250=; no amino-acid change (serine 250 retained).
Molecular consequence: synonymous variant.
Genome position (GRCh38, 1-based): chr17:48,726,895, C>G on the plus strand (G>C on the coding strand, the complement: HOXB13 is on the minus strand). VCF-style: chr17-48726895-C-G. GRCh37 (hg19) VCF-style: chr17-46804257-C-G.
Identifiers: ClinVar variation 691180 (VCV000691180.7), dbSNP rs764201750, ClinGen allele CA500500719.